The following is an entry in ClinVar:

NM_005751.5(AKAP9):c.6905C>T (p.Thr2302Met)

Gene: AKAP9 (A-kinase anchoring protein 9; plus strand). Cytogenetic location: 7q21.2.
Variant type: single nucleotide variant.
Coding change: c.6905C>T on transcript NM_005751.5 (MANE Select); coding-DNA position 6905, C replaced by T.
Protein change: p.Thr2302Met; replaces threonine 2302 with methionine.
Molecular consequence: missense variant.
Genome position (GRCh38, 1-based): chr7:92,077,835, C>T. VCF-style: chr7-92077835-C-T. GRCh37 (hg19) VCF-style: chr7-91707149-C-T.
Other names: c.1550C>T, p.Thr517Met (NM_001379277.1); c.6881C>T, p.Thr2294Met (NM_147185.3); short protein forms T2302M, T2294M, T517M.
Identifiers: ClinVar variation 412025 (VCV000412025.15), dbSNP rs368444006, ClinGen allele CA4337190.

ClinVar aggregate classification (germline): Conflicting classifications of pathogenicity. Review status: criteria provided, conflicting classifications (1 of 4 stars). 4 submissions from 4 submitters: Uncertain significance (3); Likely benign (1). Last evaluated 2026-01-14.

Conditions:
Cardiovascular phenotype. Identifiers: MedGen CN230736.
Long QT syndrome (LQTS). Identifiers: MedGen C0023976, MeSH D008133, MONDO:0002442. Disease mechanism: loss of function. Inheritance: Various modes of inheritance.
Long QT syndrome 11 (LQT11). Identifiers: Orphanet 101016, Orphanet 768, MedGen C2678483, MONDO:0012738, OMIM 611820.

Allele frequency attached by ClinVar (database versions not stated): gnomAD 0.00009; ESP Exome Variant Server 0.00015; TOPMed 0.00017.
gnomAD v4.1: 31 of 1,613,298 alleles (0.0019%); highest among the groups gnomAD compares: African/African-American, 0.023%; no homozygotes.

Submissions (4):

Labcorp Genetics (formerly Invitae), Labcorp
Classification: Uncertain significance for Long QT syndrome. Last evaluated: 2026-01-14. Review status: criteria provided, single submitter. Criteria: Invitae Variant Classification Sherloc (09022015). Collection method: clinical testing. Allele origin: germline.
Comment: This sequence change replaces threonine, which is neutral and polar, with methionine, which is neutral and non-polar, at codon 2302 of the AKAP9 protein (p.Thr2302Met). This variant is present in population databases (rs368444006, gnomAD 0.02%). This variant has not been reported in the literature in individuals affected with AKAP9-related conditions. ClinVar contains an entry for this variant (Variation ID: 412025). An algorithm developed to predict the effect of missense changes on protein structure and function outputs the following: PolyPhen-2: "Benign". The methionine amino acid residue is found in multiple mammalian species, which suggests that this missense change does not adversely affect protein function. In summary, the available evidence is currently insufficient to determine the role of this variant in disease. Therefore, it has been classified as a Variant of Uncertain Significance.

Clinical Genomics Laboratory, Washington University in St. Louis
Classification: Uncertain significance for Long QT syndrome 11. Last evaluated: 2025-11-21. Review status: criteria provided, single submitter. Criteria: ACMG Guidelines, 2015. Collection method: clinical testing. Allele origin: germline.
Comment: The AKAP9 c.6905C>T (p.Thr2302Met) variant, to our knowledge, has not been reported in the medical literature. This variant has been reported in the ClinVar database as a germline variant of uncertain significance by two submitters and likely benign variant by one submitter and is observed in 5/281,846 alleles in the general population (gnomAD v2.1.1), indicating it is not a common variant. Computational predictors suggest that the variant does not impact AKAP9 function. Due to limited information, the clinical significance of this variant is uncertain.

Women's Health and Genetics/Laboratory Corporation of America, LabCorp
Classification: Uncertain significance. Last evaluated: 2021-03-15. Review status: criteria provided, single submitter. Criteria: LabCorp Variant Classification Summary - May 2015. Collection method: clinical testing. Allele origin: germline.
Comment: Variant summary: AKAP9 c.6905C>T (p.Thr2302Met) results in a non-conservative amino acid change in the encoded protein sequence. Four of five in-silico tools predict a benign effect of the variant on protein function. The variant allele was found at a frequency of 1.6e-05 in 250490 control chromosomes. The available data on variant occurrences in the general population are insufficient to allow any conclusion about variant significance. To our knowledge, no occurrence of c.6905C>T in individuals affected with Long QT Syndrome and no experimental evidence demonstrating its impact on protein function have been reported. Two clinical diagnostic laboratories have submitted clinical-significance assessments for this variant to ClinVar after 2014 without evidence for independent evaluation. One laboratory classified the variant as likely benign, and one laboratory classified the variant as uncertain significance. Based on the evidence outlined above, the variant was classified as uncertain significance.

Ambry Genetics
Classification: Likely benign for Cardiovascular phenotype. Last evaluated: 2018-12-28. Review status: criteria provided, single submitter. Criteria: Ambry Variant Classification Scheme 2023. Collection method: clinical testing. Allele origin: germline.